The following is an entry in ClinVar:

ClinVar aggregate classification (germline): Uncertain significance (1 of 4 stars; one submission).

Submission:

Labcorp Genetics (formerly Invitae), Labcorp
Classification: Uncertain significance. Last evaluated: 2021-11-10. Review status: criteria provided, single submitter. Criteria: Invitae Variant Classification Sherloc (09022015). Collection method: clinical testing. Allele origin: germline.
Comment: This sequence change replaces arginine, which is basic and polar, with proline, which is neutral and non-polar, at codon 296 of the GPAA1 protein (p.Arg296Pro). This variant is not present in population databases (gnomAD no frequency). In summary, the available evidence is currently insufficient to determine the role of this variant in disease. Therefore, it has been classified as a Variant of Uncertain Significance. Algorithms developed to predict the effect of missense changes on protein structure and function are either unavailable or do not agree on the potential impact of this missense change (SIFT: "Tolerated"; PolyPhen-2: "Possibly Damaging"; Align-GVGD: "Class C0"). This variant has not been reported in the literature in individuals affected with GPAA1-related conditions.

NM_003801.4(GPAA1):c.887G>C (p.Arg296Pro)

Gene: GPAA1 (glycosylphosphatidylinositol anchor attachment 1; plus strand). Cytogenetic location: 8q24.3.
Variant type: single nucleotide variant.
Coding change: c.887G>C on transcript NM_003801.4 (MANE Select); coding-DNA position 887, G replaced by C.
Protein change: p.Arg296Pro; replaces arginine 296 with proline.
Molecular consequence: missense variant.
Genome position (GRCh38, 1-based): chr8:144,084,486, G>C. VCF-style: chr8-144084486-G-C. GRCh37 (hg19) VCF-style: chr8-145139389-G-C.
Other names: short protein forms R296P.
Identifiers: ClinVar variation 1490800 (VCV001490800.6), dbSNP rs782195029, ClinGen allele CA372498438.